The following is an entry in ClinVar:

ClinVar aggregate classification (germline): Uncertain significance (1 of 4 stars; one submission).

Allele frequency attached by ClinVar (database versions not stated): ExAC 0.00002.
gnomAD v4.1: 73 of 1,614,200 alleles (0.0045%); highest among the groups gnomAD compares: Non-Finnish European, 0.0056%; no homozygotes.

Submission:

GeneDx
Classification: Uncertain significance. Last evaluated: 2023-06-22. Review status: criteria provided, single submitter. Criteria: GeneDx Variant Classification Process June 2021. Collection method: clinical testing. Allele origin: germline. Affected: yes.
Comment: Not observed at significant frequency in large population cohorts (gnomAD); In silico analysis supports that this missense variant has a deleterious effect on protein structure/function; Has not been previously published as pathogenic or benign to our knowledge

NM_004553.6(NDUFS6):c.218C>A (p.Ala73Glu)

Gene: NDUFS6 (NADH:ubiquinone oxidoreductase subunit S6; plus strand). Cytogenetic location: 5p15.33.
Variant type: single nucleotide variant.
Coding change: c.218C>A on transcript NM_004553.6 (MANE Select); coding-DNA position 218, C replaced by A.
Protein change: p.Ala73Glu; replaces alanine 73 with glutamic acid.
Molecular consequence: missense variant.
Genome position (GRCh38, 1-based): chr5:1,814,370, C>A. VCF-style: chr5-1814370-C-A. GRCh37 (hg19) VCF-style: chr5-1814484-C-A.
Other names: short protein forms A73E.
Identifiers: ClinVar variation 2506778 (VCV002506778.1), dbSNP rs762746987, ClinGen allele CA3187623.